The following continues an entry in ClinVar:

NM_000492.4(CFTR):c.1397C>G (p.Ser466Ter)

ClinVar aggregate classification (germline): Pathogenic. Pathogenic (1).

Submissions 15 to 23 of 23:

Institute of Reproductive Genetics, University of Münster
Classification: Pathogenic for Obstructive azoospermia. Last evaluated: 2021-08-23. Review status: criteria provided, single submitter. Criteria: ACMG Guidelines, 2015. Collection method: clinical testing. Allele origin: germline. Affected: yes. Observed: 1 variant allele. Not counted in ClinVar's aggregate classification.

Genomic Research Center, Shahid Beheshti University of Medical Sciences
Classification: Pathogenic for Cystic fibrosis. Last evaluated: 2020-05-03. Review status: criteria provided, single submitter. Criteria: ACMG Guidelines, 2015. Collection method: clinical testing. Allele origin: unknown. Affected: yes. Not counted in ClinVar's aggregate classification.

Genome Diagnostics Laboratory, The Hospital for Sick Children
Classification: Pathogenic for Cystic fibrosis. Last evaluated: 2019-08-29. Review status: criteria provided, single submitter. Criteria: ACMG Guidelines, 2015. Collection method: clinical testing. Allele origin: germline. Not counted in ClinVar's aggregate classification.

Women's Health and Genetics/Laboratory Corporation of America, LabCorp
Classification: Pathogenic for Cystic fibrosis. Last evaluated: 2019-03-14. Review status: criteria provided, single submitter. Criteria: LabCorp Variant Classification Summary - May 2015. Collection method: clinical testing. Allele origin: germline. Not counted in ClinVar's aggregate classification.
Comment: Variant summary: CFTR c.1397C>G (p.Ser466X) results in a premature termination codon, predicted to cause a truncation of the encoded protein or absence of the protein due to nonsense mediated decay, which are commonly known mechanisms for disease. Truncations downstream of this position have been classified as pathogenic by our laboratory (c.1477C>T, p.Gln493X; c.1573C>T, p.Gln525X; c.1624G>T, p.Gly542X). The variant allele was found at a frequency of 1.8e-05 in 276952 control chromosomes (gnomAD). This variant has been reported in the literature in multiple individuals affected with Cystic Fibrosis (Deufel_1994, Sosnay_2013, Sahami_2014). These data indicate that the variant is very likely to be associated with disease. To our knowledge, no experimental evidence demonstrating an impact on protein function has been reported. Three clinical diagnostic laboratories have submitted clinical-significance assessments for this variant to ClinVar after 2014 without evidence for independent evaluation. All laboratories classified the variant as pathogenic. Based on the evidence outlined above, the variant was classified as pathogenic.

Mendelics
Classification: Pathogenic for Cystic fibrosis. Last evaluated: 2018-11-05. Review status: criteria provided, single submitter. Criteria: Mendelics Assertion Criteria 2017. Collection method: clinical testing. Allele origin: unknown. Affected: yes. Not counted in ClinVar's aggregate classification.

CFTR-France
Classification: Pathogenic for cystic fibrosis. Last evaluated: 2018-01-29. Review status: criteria provided, single submitter. Criteria: Claustres M et al. (Hum Mutat 2017). Collection method: curation. Allele origin: germline. Affected: yes. Not counted in ClinVar's aggregate classification.

Eurofins Ntd Llc (ga)
Classification: Pathogenic. Last evaluated: 2017-02-24. Review status: criteria provided, single submitter. Criteria: EGL Classification Definitions 2015. Collection method: clinical testing. Allele origin: germline. Observed: 1 variant allele, 1 heterozygote. Not counted in ClinVar's aggregate classification.

Baylor Genetics
Classification: Pathogenic for Congenital bilateral aplasia of vas deferens from CFTR mutation; Cystic fibrosis. Review status: criteria provided, single submitter. Criteria: ACMG Guidelines, 2015. Collection method: clinical testing. Allele origin: germline. Not counted in ClinVar's aggregate classification.

Genome Diagnostics Laboratory, The Hospital for Sick Children
Classification: Pathogenic for CFTR-related disorders. Last evaluated: 2019-08-29. Review status: no assertion criteria provided. Collection method: clinical testing. Allele origin: germline. Not counted in ClinVar's aggregate classification.

Literature cited by the submitters: PubMed 17662673 (cited by 4 submitters); PubMed 35110256 (cited by Natera, Inc.); PubMed 38744777 (cited by Natera, Inc.); PubMed 7509683 (cited by 4 submitters); PubMed 1695717 (cited by Labcorp Genetics (formerly Invitae), Labcorp); PubMed 7691345 (cited by Labcorp Genetics (formerly Invitae), Labcorp); PubMed 9725922 (cited by Labcorp Genetics (formerly Invitae), Labcorp); PubMed 16436643 (cited by Labcorp Genetics (formerly Invitae), Labcorp); PubMed 21198395 (cited by Labcorp Genetics (formerly Invitae), Labcorp and Quest Diagnostics Nichols Institute San Juan Capistrano); PubMed 23974870 (cited by 3 submitters); PubMed 24106596 (cited by Labcorp Genetics (formerly Invitae), Labcorp and Quest Diagnostics Nichols Institute San Juan Capistrano); PubMed 24586523 (cited by Labcorp Genetics (formerly Invitae), Labcorp and Quest Diagnostics Nichols Institute San Juan Capistrano); PubMed 24696795 (cited by 3 submitters); PubMed 25910067 (cited by Labcorp Genetics (formerly Invitae), Labcorp); PubMed 21296036 (cited by Quest Diagnostics Nichols Institute San Juan Capistrano); PubMed 18951463 (cited by Quest Diagnostics Nichols Institute San Juan Capistrano); PubMed 15727251 (cited by Quest Diagnostics Nichols Institute San Juan Capistrano); PubMed 17627383 (cited by Quest Diagnostics Nichols Institute San Juan Capistrano); PubMed 15365999 (cited by Quest Diagnostics Nichols Institute San Juan Capistrano); PubMed 31036917 (cited by Quest Diagnostics Nichols Institute San Juan Capistrano); PubMed 31589614 (cited by Quest Diagnostics Nichols Institute San Juan Capistrano); PubMed 32429104 (cited by Quest Diagnostics Nichols Institute San Juan Capistrano).